The following is an entry in ClinVar:

ClinVar aggregate classification (germline): Pathogenic (1 of 4 stars; one submission).

Conditions:
Seizures, benign familial infantile, 3 (BFIS3). Also called: CONVULSIONS, BENIGN FAMILIAL INFANTILE, 3; Familial neonatal seizures. Identifiers: Orphanet 140927, Orphanet 306, MedGen C1843140, MONDO:0011904, OMIM 607745.
Developmental and epileptic encephalopathy, 11 (DEE11). Also called: Early infantile epileptic encephalopathy 11. Identifiers: Orphanet 1934, MedGen C3150987, MONDO:0013388, OMIM 613721.

Submission:

Labcorp Genetics (formerly Invitae), Labcorp
Classification: Pathogenic for Seizures, benign familial infantile, 3; Developmental and epileptic encephalopathy, 11. Last evaluated: 2022-11-29. Review status: criteria provided, single submitter. Criteria: Invitae Variant Classification Sherloc (09022015). Collection method: clinical testing. Allele origin: germline.
Comment: For these reasons, this variant has been classified as Pathogenic. Advanced modeling of protein sequence and biophysical properties (such as structural, functional, and spatial information, amino acid conservation, physicochemical variation, residue mobility, and thermodynamic stability) performed at Invitae indicates that this missense variant is expected to disrupt SCN2A protein function. ClinVar contains an entry for this variant (Variation ID: 1471623). This missense change has been observed in individual(s) with SCN2A-related conditions (PMID: 29429461). In at least one individual the variant was observed to be de novo. This variant is not present in population databases (gnomAD no frequency). This sequence change replaces phenylalanine, which is neutral and non-polar, with leucine, which is neutral and non-polar, at codon 414 of the SCN2A protein (p.Phe414Leu).

Literature cited by the submitters: PubMed 29429461.

NM_001040142.2(SCN2A):c.1242C>G (p.Phe414Leu)

Gene: SCN2A (sodium voltage-gated channel alpha subunit 2; plus strand). Cytogenetic location: 2q24.3.
Variant type: single nucleotide variant.
Coding change: c.1242C>G on transcript NM_001040142.2 (MANE Select); coding-DNA position 1242, C replaced by G.
Protein change: p.Phe414Leu; replaces phenylalanine 414 with leucine.
Molecular consequence: missense variant.
Genome position (GRCh38, 1-based): chr2:165,313,967, C>G. VCF-style: chr2-165313967-C-G. GRCh37 (hg19) VCF-style: chr2-166170477-C-G.
Other names: c.1242C>G, p.Phe414Leu (NM_001040143.2, NM_001371246.1, NM_001371247.1 and 1 more transcripts); short protein forms F414L.
Identifiers: ClinVar variation 1471623 (VCV001471623.6), dbSNP rs2105255869, ClinGen allele CA349022190.